The following is an entry in ClinVar:

NM_006767.4(LZTR1):c.187T>C (p.Phe63Leu)

Gene: LZTR1 (leucine zipper like post translational regulator 1; plus strand). Cytogenetic location: 22q11.21.
Variant type: single nucleotide variant.
Coding change: c.187T>C on transcript NM_006767.4 (MANE Select); coding-DNA position 187, T replaced by C.
Protein change: p.Phe63Leu; replaces phenylalanine 63 with leucine.
Molecular consequence: missense variant.
Genome position (GRCh38, 1-based): chr22:20,982,558, T>C. VCF-style: chr22-20982558-T-C. GRCh37 (hg19) VCF-style: chr22-21336847-T-C.
Other names: short protein forms F63L.
Identifiers: ClinVar variation 2446097 (VCV002446097.1), dbSNP rs2518608010, ClinGen allele CA410778151.

ClinVar aggregate classification (germline): Uncertain significance (1 of 4 stars; one submission).

Submission:

GeneDx
Classification: Uncertain significance. Last evaluated: 2022-09-22. Review status: criteria provided, single submitter. Criteria: GeneDx Variant Classification Process June 2021. Collection method: clinical testing. Allele origin: germline. Affected: yes.
Comment: Not observed at significant frequency in large population cohorts (gnomAD); In silico analysis supports that this missense variant has a deleterious effect on protein structure/function; Has not been previously published as pathogenic or benign to our knowledge